The following is an entry in ClinVar:

ClinVar aggregate classification (germline): Uncertain significance (1 of 4 stars; one submission).

Conditions:
Dilated cardiomyopathy 1J (CMD1J). Also called: CARDIOMYOPATHY, DILATED, WITH SENSORINEURAL HEARING LOSS, AUTOSOMAL DOMINANT. Identifiers: Orphanet 217622, MedGen C1854368, MONDO:0011541, OMIM 605362.

Submission:

Labcorp Genetics (formerly Invitae), Labcorp
Classification: Uncertain significance for Dilated cardiomyopathy 1J. Last evaluated: 2021-04-05. Review status: criteria provided, single submitter. Criteria: Invitae Variant Classification Sherloc (09022015). Collection method: clinical testing. Allele origin: germline.
Comment: This sequence change replaces glutamine with histidine at codon 183 of the EYA4 protein (p.Gln183His). The glutamine residue is highly conserved and there is a small physicochemical difference between glutamine and histidine. This variant is not present in population databases (ExAC no frequency). This variant has not been reported in the literature in individuals with EYA4-related conditions. Algorithms developed to predict the effect of missense changes on protein structure and function are either unavailable or do not agree on the potential impact of this missense change (SIFT: "Tolerated"; PolyPhen-2: "Probably Damaging"; Align-GVGD: "Class C0"). In summary, the available evidence is currently insufficient to determine the role of this variant in disease. Therefore, it has been classified as a Variant of Uncertain Significance.

NM_004100.5(EYA4):c.549G>T (p.Gln183His)

Gene: EYA4 (EYA transcriptional coactivator and phosphatase 4; plus strand). Cytogenetic location: 6q23.2.
Variant type: single nucleotide variant.
Coding change: c.549G>T on transcript NM_004100.5 (MANE Select); coding-DNA position 549, G replaced by T.
Protein change: p.Gln183His; replaces glutamine 183 with histidine.
Molecular consequence: missense variant.
Genome position (GRCh38, 1-based): chr6:133,462,446, G>T. VCF-style: chr6-133462446-G-T. GRCh37 (hg19) VCF-style: chr6-133783584-G-T.
Other names: c.387G>T, p.Gln129His (NM_001301012.2, NM_001370459.1); c.549G>T, p.Gln183His (NM_001301013.2, NM_172105.4); c.480G>T, p.Gln160His (NM_001370458.1, NM_172103.4); short protein forms Q129H, Q160H, Q183H.
Identifiers: ClinVar variation 1471446 (VCV001471446.8), dbSNP rs267600815, ClinGen allele CA365698344.